The following is an entry in ClinVar:

NM_021008.4(DEAF1):c.254G>T (p.Gly85Val)

Gene: DEAF1 (DEAF1 transcription factor; minus strand). Cytogenetic location: 11p15.5.
Variant type: single nucleotide variant.
Coding change: c.254G>T on transcript NM_021008.4 (MANE Select); coding-DNA position 254, G replaced by T.
Protein change: p.Gly85Val; replaces glycine 85 with valine.
Molecular consequence: missense variant. On other transcripts: intron variant (1).
Genome position (GRCh38, 1-based): chr11:694,794, C>A on the plus strand (G>T on the coding strand, the complement: DEAF1 is on the minus strand). VCF-style: chr11-694794-C-A. GRCh37 (hg19) VCF-style: chr11-694794-C-A.
Other names: c.254G>T, p.Gly85Val (NM_001293634.2); c.-437-3196G>T (NM_001367390.1); short protein forms G85V.
Identifiers: ClinVar variation 2418242 (VCV002418242.6), dbSNP rs2494503139, ClinGen allele CA378939058.

ClinVar aggregate classification (germline): Uncertain significance (1 of 4 stars; one submission).

Submission:

Labcorp Genetics (formerly Invitae), Labcorp
Classification: Uncertain significance. Last evaluated: 2024-02-17. Review status: criteria provided, single submitter. Criteria: Invitae Variant Classification Sherloc (09022015). Collection method: clinical testing. Allele origin: germline.
Comment: This sequence change replaces glycine, which is neutral and non-polar, with valine, which is neutral and non-polar, at codon 85 of the DEAF1 protein (p.Gly85Val). This variant is not present in population databases (gnomAD no frequency). This variant has not been reported in the literature in individuals affected with DEAF1-related conditions. ClinVar contains an entry for this variant (Variation ID: 2418242). Advanced modeling of protein sequence and biophysical properties (such as structural, functional, and spatial information, amino acid conservation, physicochemical variation, residue mobility, and thermodynamic stability) performed at Invitae indicates that this missense variant is not expected to disrupt DEAF1 protein function with a negative predictive value of 95%. In summary, the available evidence is currently insufficient to determine the role of this variant in disease. Therefore, it has been classified as a Variant of Uncertain Significance.